The following is an entry in ClinVar:

NM_002693.3(POLG):c.1790G>A (p.Arg597Gln)

Gene: POLG (DNA polymerase gamma, catalytic subunit; minus strand). Cytogenetic location: 15q26.1.
Variant type: single nucleotide variant.
Coding change: c.1790G>A on transcript NM_002693.3 (MANE Select); coding-DNA position 1790, G replaced by A.
Protein change: p.Arg597Gln; replaces arginine 597 with glutamine.
Molecular consequence: missense variant.
Genome position (GRCh38, 1-based): chr15:89,325,609, C>T on the plus strand (G>A on the coding strand, the complement: POLG is on the minus strand). VCF-style: chr15-89325609-C-T. GRCh37 (hg19) VCF-style: chr15-89868840-C-T.
Other names: p.Arg597Gln; c.1790G>A, p.Arg597Gln (NM_001126131.2); short protein forms R597Q.
Identifiers: ClinVar variation 576551 (VCV000576551.30), dbSNP rs1001570418, ClinGen allele CA10602204.
Genomic context (GRCh38, chr15:89,325,609, plus strand): 5'-CGCTCTGAGTAGTGCAGAGGGAAGCCATCCCAGGTAAGTGCCATGAGTTTAGGTGTGACC[C>T]GCATCTGCAGGCTGAGGAGGCTGGGGCCCGGGGTCCATGCAGGGTCGTCTAGCCGGGGGC-3'
Protein context (NP_002684.1, residues 587-607): PGPSLLSLQM[Arg597Gln]VTPKLMALTW

ClinVar aggregate classification (germline): Conflicting classifications of pathogenicity. Review status: criteria provided, conflicting classifications (1 of 4 stars). 8 submissions from 8 submitters: Pathogenic (1); Likely pathogenic (1); Uncertain significance (6). Last evaluated 2025-12-24.

Conditions:
POLG-related disorder. Also called: POLG-Related Spectrum Disorders; POLG-related condition; POLG-Related Disorders. Identifiers: MedGen C4763519.
Progressive sclerosing poliodystrophy (MTDPS4A). Also called: Alpers Syndrome; ALPERS PROGRESSIVE INFANTILE POLIODYSTROPHY; NEURONAL DEGENERATION OF CHILDHOOD WITH LIVER DISEASE, PROGRESSIVE; ALPERS DIFFUSE DEGENERATION OF CEREBRAL GRAY MATTER WITH HEPATIC CIRRHOSIS; Alpers-Huttenlocher Syndrome; Mitochondrial DNA depletion syndrome 4A (Alpers type). Identifiers: Orphanet 726, MedGen C0205710, MONDO:0008758, OMIM 203700.

Allele frequency attached by ClinVar (database versions not stated): gnomAD exomes below 0.00001; gnomAD 0.00001; TOPMed 0.00006.
gnomAD v4.1: 8 of 1,613,604 alleles (0.0005%); highest among the groups gnomAD compares: East Asian, 0.0045%; no homozygotes.

Submissions (8):

Labcorp Genetics (formerly Invitae), Labcorp
Classification: Uncertain significance for Progressive sclerosing poliodystrophy. Last evaluated: 2025-12-24. Review status: criteria provided, single submitter. Criteria: Invitae Variant Classification Sherloc (09022015). Collection method: clinical testing. Allele origin: germline.
Comment: This sequence change replaces arginine, which is basic and polar, with glutamine, which is neutral and polar, at codon 597 of the POLG protein (p.Arg597Gln). This variant is present in population databases (no rsID available, gnomAD 0.0009%). This missense change has been observed in individual(s) with progressive external ophthalmoplegia (PMID: 35289132). ClinVar contains an entry for this variant (Variation ID: 576551). Invitae Evidence Modeling of protein sequence and biophysical properties (such as structural, functional, and spatial information, amino acid conservation, physicochemical variation, residue mobility, and thermodynamic stability) has been performed for this missense variant. However, the output from this modeling did not meet the statistical confidence thresholds required to predict the impact of this variant on POLG protein function. This variant disrupts the p.Arg597 amino acid residue in POLG. Other variant(s) that disrupt this residue have been determined to be pathogenic (PMID: 19251978, 20138553, 21880868, 27538604). This suggests that this residue is clinically significant, and that variants that disrupt this residue are likely to be disease-causing. In summary, the available evidence is currently insufficient to determine the role of this variant in disease. Therefore, it has been classified as a Variant of Uncertain Significance.

Mayo Clinic Laboratories, Mayo Clinic
Classification: Uncertain significance. Last evaluated: 2025-07-15. Review status: criteria provided, single submitter. Criteria: ACMG Guidelines, 2015. Collection method: clinical testing. Allele origin: germline. Observed: 3 variant alleles.
Comment: PM2_supporting, PM3_supporting, PM5

Myriad Genetics, Inc.
Classification: Likely pathogenic for POLG-related disorder. Last evaluated: 2025-02-13. Review status: criteria provided, single submitter. Criteria: Myriad Autosomal Dominant, Autosomal Recessive and X-Linked Classification Criteria (2023). Collection method: clinical testing. Allele origin: unknown.
Comment: NM_002693.2(POLG):c.1790G>A(R597Q) is a missense variant classified as likely pathogenic in the context of POLG-related disorders. R597Q has been observed in cases with relevant disease (PMID: 33791913, 35289132, 37847292). Relevant functional assessments of this variant are not available in the literature. R597Q has been observed in referenced population frequency databases. In summary, NM_002693.2(POLG):c.1790G>A(R597Q) is a missense variant that has internal structural support for pathogenicity and has been observed more frequently in cases with the relevant disease than in healthy populations. Please note: this variant was assessed in the context of healthy population screening.

CeGaT Center for Human Genetics Tuebingen
Classification: Uncertain significance. Last evaluated: 2024-12-01. Review status: criteria provided, single submitter. Criteria: CeGaT Center For Human Genetics Tuebingen Variant Classification Criteria Version 2. Collection method: clinical testing. Allele origin: germline. Affected: yes. Observed: 1 variant allele.
Comment: POLG: PM2, PM3:Supporting, PM5:Supporting, PP3

Blueprint Genetics
Classification: Uncertain significance. Last evaluated: 2023-08-25. Review status: criteria provided, single submitter. Criteria: ACMG Guidelines, 2015. Collection method: clinical testing. Allele origin: germline.

Women's Health and Genetics/Laboratory Corporation of America, LabCorp
Classification: Uncertain significance. Last evaluated: 2023-04-21. Review status: criteria provided, single submitter. Criteria: LabCorp Variant Classification Summary - May 2015. Collection method: clinical testing. Allele origin: germline.
Comment: Variant summary: POLG c.1790G>A (p.Arg597Gln) results in a conservative amino acid change to a highly conserved residue (HGMD) in the encoded protein sequence. Another missense variant altering this residue (p.Arg597Trp) is classified as pathogenic/likely pathgenic in ClinVar. Three of five in-silico tools predict a damaging effect of the variant on protein function. The variant allele was found at a frequency of 4e-06 in 250900 control chromosomes (gnomAD). The available data on variant occurrences in the general population are insufficient to allow any conclusion about variant significance. c.1790G>A has been reported in the literature in an individual affected with progressive external ophthalmoplegia who was reported as compound heterozygous with a likely pathogenic variant (Hou_2022). These data suggest the variant may be associated with disease. To our knowledge, no experimental evidence demonstrating an impact on protein function has been reported. Three submitters have provided clinical-significance assessments for this variant to ClinVar after 2014, and classified it as pathogenic (n=1) or uncertain significance (n=2). Based on the evidence outlined above, the variant was classified as VUS-possibly pathogenic.

GeneDx
Classification: Uncertain significance. Last evaluated: 2020-05-07. Review status: criteria provided, single submitter. Criteria: GeneDx Variant Classification Process June 2021. Collection method: clinical testing. Allele origin: germline. Affected: yes.
Comment: Not observed at a significant frequency in large population cohorts (Lek et al., 2016); In silico analysis supports that this missense variant does not alter protein structure/function

Wong Mito Lab, Molecular and Human Genetics, Baylor College of Medicine
Classification: Pathogenic for Progressive sclerosing poliodystrophy. Last evaluated: 2018-10-01. Review status: criteria provided, single submitter. Criteria: ACMG Guidelines, 2015. Collection method: clinical testing. Allele origin: germline.
Comment: The NM_002693.2:c.1790G>A (NP_002684.1:p.Arg597Gln) [GRCH38: NC_000015.10:g.89325609C>T] variant in POLG gene is interpretated to be a Pathogenic based on ACMG guidelines (PMID: 25741868). This variant meets the following evidence codes reported in the ACMG-guideline. PS1:This variation causes same amino-acid change as an established pathogenic variant. PM2:This variant is absent in key population databases. PM3:Detected in trans with a pathogenic variant for Mitochondrial DNA depletion syndrome 4A (Alpers type) which is a recessive disorder. PP1:This variant is co-segregated with Mitochondrial DNA depletion syndrome 4A (Alpers type) in multiple affected family members. PP2:This is a missense variant in POLG with a low rate of benign and high rate of pathogenic missense variations. PP3:Computational evidence/predictors indicate the variant has deleterious effect on POLG structure, function, or protein-protein interaction. PP4:Patient's phenotype or family history is highly specific for POLG. Based on the evidence criteria codes applied, the variant is suggested to be Pathogenic.

Literature cited by the submitters: PubMed 35289132 (cited by 4 submitters); PubMed 19251978 (cited by Labcorp Genetics (formerly Invitae), Labcorp); PubMed 20138553 (cited by Labcorp Genetics (formerly Invitae), Labcorp); PubMed 21880868 (cited by Labcorp Genetics (formerly Invitae), Labcorp); PubMed 27538604 (cited by Labcorp Genetics (formerly Invitae), Labcorp); PubMed 39118480 (cited by Mayo Clinic Laboratories, Mayo Clinic); PubMed 40565516 (cited by Mayo Clinic Laboratories, Mayo Clinic); PubMed 33791913 (cited by Myriad Genetics, Inc. and Women's Health and Genetics/Laboratory Corporation of America, LabCorp); PubMed 37847292 (cited by Myriad Genetics, Inc.).